The following is an entry in ClinVar:

NM_015450.3(POT1):c.432G>A (p.Met144Ile)

Gene: POT1 (protection of telomeres 1; minus strand). Cytogenetic location: 7q31.33.
Variant type: single nucleotide variant.
Coding change: c.432G>A on transcript NM_015450.3 (MANE Select); coding-DNA position 432, G replaced by A.
Protein change: p.Met144Ile; replaces methionine 144 with isoleucine.
Molecular consequence: missense variant. On other transcripts: non-coding transcript variant (3).
Genome position (GRCh38, 1-based): chr7:124,863,464, C>T on the plus strand (G>A on the coding strand, the complement: POT1 is on the minus strand). VCF-style: chr7-124863464-C-T. GRCh37 (hg19) VCF-style: chr7-124503518-C-T.
Other names: c.39G>A, p.Met13Ile (NM_001042594.2); short protein forms M13I, M144I.
Identifiers: ClinVar variation 1739767 (VCV001739767.5), dbSNP rs2485480193, ClinGen allele CA369059348.

ClinVar aggregate classification (germline): Conflicting classifications of pathogenicity. Review status: criteria provided, conflicting classifications (1 of 4 stars). 2 submissions from 2 submitters: Uncertain significance (1); Likely benign (1). Last evaluated 2025-01-13.

Conditions:
Hereditary cancer-predisposing syndrome. Also called: Hereditary Cancer Syndrome; Hereditary neoplastic syndrome; Neoplastic Syndromes, Hereditary; Tumor predisposition. Identifiers: Orphanet 140162, MedGen C0027672, MeSH D009386, MONDO:0015356.
Tumor predisposition syndrome 3 (TPDS3). Also called: Melanoma, cutaneous malignant, susceptibility to, 10; Glioma susceptibility 9; LONG TELOMERE SYNDROME, POT1-RELATED; POT1 Tumor Predisposition. Identifiers: Orphanet 618, MedGen C4014476, MONDO:0014368, OMIM 615848.

Allele frequency attached by ClinVar (database versions not stated): gnomAD exomes below 0.00001.

Submissions (2):

Labcorp Genetics (formerly Invitae), Labcorp
Classification: Uncertain significance for Tumor predisposition syndrome 3. Last evaluated: 2025-01-13. Review status: criteria provided, single submitter. Criteria: Invitae Variant Classification Sherloc (09022015). Collection method: clinical testing. Allele origin: germline.
Comment: This sequence change replaces methionine, which is neutral and non-polar, with isoleucine, which is neutral and non-polar, at codon 144 of the POT1 protein (p.Met144Ile). This variant is not present in population databases (gnomAD no frequency). This variant has not been reported in the literature in individuals affected with POT1-related conditions. ClinVar contains an entry for this variant (Variation ID: 1739767). Invitae Evidence Modeling of protein sequence and biophysical properties (such as structural, functional, and spatial information, amino acid conservation, physicochemical variation, residue mobility, and thermodynamic stability) indicates that this missense variant is not expected to disrupt POT1 protein function with a negative predictive value of 80%. In summary, the available evidence is currently insufficient to determine the role of this variant in disease. Therefore, it has been classified as a Variant of Uncertain Significance.

Ambry Genetics
Classification: Likely benign for Hereditary cancer-predisposing syndrome. Last evaluated: 2021-10-27. Review status: criteria provided, single submitter. Criteria: Ambry Variant Classification Scheme 2023. Collection method: clinical testing. Allele origin: germline.